The following is an entry in ClinVar:

ClinVar aggregate classification (germline): Uncertain significance (1 of 4 stars; one submission).

gnomAD v4.1: 2 of 1,562,272 alleles (0.00013%); highest among the groups gnomAD compares: Non-Finnish European, 0.00017%; no homozygotes.

Submission:

GeneDx
Classification: Uncertain significance. Last evaluated: 2024-01-11. Review status: criteria provided, single submitter. Criteria: GeneDx Variant Classification Process June 2021. Collection method: clinical testing. Allele origin: germline.
Comment: In silico analysis supports that this missense variant has a deleterious effect on protein structure/function; Not observed at significant frequency in large population cohorts (gnomAD); Has not been previously published as pathogenic or benign to our knowledge; Variants in candidate genes are classified as variants of uncertain significance in accordance with ACMG guidelines (PMID: 25741868)

NM_006016.6(CD164):c.338C>T (p.Thr113Met)

Gene: CD164 (CD164 molecule; minus strand). Cytogenetic location: 6q21.
Variant type: single nucleotide variant.
Coding change: c.338C>T on transcript NM_006016.6 (MANE Select); coding-DNA position 338, C replaced by T.
Protein change: p.Thr113Met; replaces threonine 113 with methionine.
Molecular consequence: missense variant. On other transcripts: intron variant (1).
Genome position (GRCh38, 1-based): chr6:109,376,106, G>A on the plus strand (C>T on the coding strand, the complement: CD164 is on the minus strand). VCF-style: chr6-109376106-G-A. GRCh37 (hg19) VCF-style: chr6-109697309-G-A.
Other names: c.338C>T, p.Thr113Met (NM_001142402.3, NM_001142403.3, NM_001142404.3); c.236C>T, p.Thr79Met (NM_001346500.2); c.331+1794C>T (NM_001142401.3); short protein forms T113M, T79M.
Identifiers: ClinVar variation 4891451 (VCV004891451.1).